The following is an entry in ClinVar:

ClinVar aggregate classification (germline): Uncertain significance (1 of 4 stars; one submission).

Allele frequency attached by ClinVar (database versions not stated): gnomAD exomes below 0.00001; TOPMed below 0.00001; gnomAD 0.00001.

Submission:

Labcorp Genetics (formerly Invitae), Labcorp
Classification: Uncertain significance. Last evaluated: 2023-05-22. Review status: criteria provided, single submitter. Criteria: Invitae Variant Classification Sherloc (09022015). Collection method: clinical testing. Allele origin: germline.
Comment: This variant has not been reported in the literature in individuals affected with APC2-related conditions. This variant is not present in population databases (gnomAD no frequency). This sequence change replaces glutamine, which is neutral and polar, with arginine, which is basic and polar, at codon 389 of the APC2 protein (p.Gln389Arg). ClinVar contains an entry for this variant (Variation ID: 2114110). In summary, the available evidence is currently insufficient to determine the role of this variant in disease. Therefore, it has been classified as a Variant of Uncertain Significance. Algorithms developed to predict the effect of missense changes on protein structure and function output the following: SIFT: "Not Available"; PolyPhen-2: "Benign"; Align-GVGD: "Not Available". The arginine amino acid residue is found in multiple mammalian species, which suggests that this missense change does not adversely affect protein function.

NM_005883.3(APC2):c.1166A>G (p.Gln389Arg)

Gene: APC2 (APC regulator of Wnt signaling pathway 2; plus strand). Cytogenetic location: 19p13.3.
Variant type: single nucleotide variant.
Coding change: c.1166A>G on transcript NM_005883.3 (MANE Select); coding-DNA position 1166, A replaced by G.
Protein change: p.Gln389Arg; replaces glutamine 389 with arginine.
Molecular consequence: missense variant.
Genome position (GRCh38, 1-based): chr19:1,457,202, A>G. VCF-style: chr19-1457202-A-G. GRCh37 (hg19) VCF-style: chr19-1457201-A-G.
Other names: c.1163A>G, p.Gln388Arg (NM_001351273.1); short protein forms Q389R, Q388R.
Identifiers: ClinVar variation 2114110 (VCV002114110.4), dbSNP rs757007795, ClinGen allele CA9044979.